The following is an entry in ClinVar:

NM_001388303.1(HECTD4):c.6256G>A (p.Glu2086Lys)

Gene: HECTD4 (HECT domain E3 ubiquitin protein ligase 4; minus strand). Cytogenetic location: 12q24.13.
Variant type: single nucleotide variant.
Coding change: c.6256G>A on transcript NM_001388303.1 (MANE Select); coding-DNA position 6256, G replaced by A.
Protein change: p.Glu2086Lys; replaces glutamic acid 2086 with lysine.
Molecular consequence: missense variant.
Genome position (GRCh38, 1-based): chr12:112,230,767, C>T on the plus strand (G>A on the coding strand, the complement: HECTD4 is on the minus strand). VCF-style: chr12-112230767-C-T. GRCh37 (hg19) VCF-style: chr12-112668571-C-T.
Other names: c.6286G>A, p.Glu2096Lys (NM_001109662.4); short protein forms E2096K, E2086K.
Identifiers: ClinVar variation 4675503 (VCV004675503.1).
Genomic context (GRCh38, chr12:112,230,767, plus strand): 5'-ATATTTGAGCAGCATTTGATTCAGGTGCCATGAGCAAGCTATGTAGCAAGGCGATCACTT[C>T]TGCAGCCATGCTGTTTGCCACATGCCCACTGATGAAGGGACGCACAGGATCAGTCCTGCA-3'
Protein context (NP_001375232.1, residues 2076-2096): SGHVANSMAA[Glu2086Lys]VIALLHSLLM

ClinVar aggregate classification (germline): Uncertain significance (1 of 4 stars; one submission).

Submission:

Ambry Genetics
Classification: Uncertain significance. Last evaluated: 2025-11-26. Review status: criteria provided, single submitter. Criteria: Ambry Variant Classification Scheme 2023. Collection method: clinical testing. Allele origin: germline.
Comment: The c.5740G>A (p.E1914K) alteration is located in exon 39 (coding exon 38) of the HECTD4 gene. This alteration results from a G to A substitution at nucleotide position 5740, causing the glutamic acid (E) at amino acid position 1914 to be replaced by a lysine (K). Based on data from gnomAD, the A allele has an overall frequency of <0.001% (1/243878) total alleles studied. The highest observed frequency was 0.001% (1/110660) of European (non-Finnish) alleles. Based on insufficient or conflicting evidence, the clinical significance of this alteration remains unclear.